The following is an entry in ClinVar:

NM_004260.4(RECQL4):c.1822C>T (p.His608Tyr)

Gene: RECQL4 (RecQ like helicase 4; minus strand). Cytogenetic location: 8q24.3.
Variant type: single nucleotide variant.
Coding change: c.1822C>T on transcript NM_004260.4 (MANE Select); coding-DNA position 1822, C replaced by T.
Protein change: p.His608Tyr; replaces histidine 608 with tyrosine.
Molecular consequence: missense variant.
Genome position (GRCh38, 1-based): chr8:144,514,245, G>A on the plus strand (C>T on the coding strand, the complement: RECQL4 is on the minus strand). VCF-style: chr8-144514245-G-A. GRCh37 (hg19) VCF-style: chr8-145739629-G-A.
Other names: short protein forms H608Y.
Identifiers: ClinVar variation 658512 (VCV000658512.11), dbSNP rs375033380, ClinGen allele CA4948646.

ClinVar aggregate classification (germline): Uncertain significance. Review status: criteria provided, multiple submitters, no conflicts (2 of 4 stars). 3 submissions from 3 submitters: Uncertain significance (3). Last evaluated 2024-12-21.

Conditions:
Inborn genetic diseases. Identifiers: MedGen C0950123, MeSH D030342.
Baller-Gerold syndrome (BGS). Also called: CRANIOSYNOSTOSIS WITH RADIAL DEFECTS. Identifiers: Orphanet 1225, MedGen C0265308, MONDO:0009039, OMIM 218600.

Allele frequency attached by ClinVar (database versions not stated): gnomAD 0.00001; gnomAD exomes 0.00001; ExAC 0.00003; TOPMed 0.00003; ESP Exome Variant Server 0.00008.
gnomAD v4.1: 11 of 1,612,166 alleles (0.00068%); highest among the groups gnomAD compares: African/African-American, 0.0013%; no homozygotes.

Submissions (3):

Ambry Genetics
Classification: Uncertain significance for Inborn genetic diseases. Last evaluated: 2024-12-21. Review status: criteria provided, single submitter. Criteria: Ambry Variant Classification Scheme 2023. Collection method: clinical testing. Allele origin: germline.
Comment: The p.H608Y variant (also known as c.1822C>T), located in coding exon 11 of the RECQL4 gene, results from a C to T substitution at nucleotide position 1822. The histidine at codon 608 is replaced by tyrosine, an amino acid with similar properties. This amino acid position is conserved. In addition, this alteration is predicted to be deleterious by in silico analysis. Based on the available evidence, the clinical significance of this variant remains unclear.

Labcorp Genetics (formerly Invitae), Labcorp
Classification: Uncertain significance for Baller-Gerold syndrome. Last evaluated: 2024-02-26. Review status: criteria provided, single submitter. Criteria: Invitae Variant Classification Sherloc (09022015). Collection method: clinical testing. Allele origin: germline.
Comment: This sequence change replaces histidine, which is basic and polar, with tyrosine, which is neutral and polar, at codon 608 of the RECQL4 protein (p.His608Tyr). This variant is present in population databases (rs375033380, gnomAD 0.007%). This variant has not been reported in the literature in individuals affected with RECQL4-related conditions. ClinVar contains an entry for this variant (Variation ID: 658512). Advanced modeling of protein sequence and biophysical properties (such as structural, functional, and spatial information, amino acid conservation, physicochemical variation, residue mobility, and thermodynamic stability) performed at Invitae indicates that this missense variant is expected to disrupt RECQL4 protein function with a positive predictive value of 80%. In summary, the available evidence is currently insufficient to determine the role of this variant in disease. Therefore, it has been classified as a Variant of Uncertain Significance.

Institute for Clinical Genetics, University Hospital TU Dresden, University Hospital TU Dresden
Classification: Uncertain significance. Last evaluated: 2021-11-03. Review status: criteria provided, single submitter. Criteria: ACMG Guidelines, 2015. Collection method: clinical testing. Allele origin: germline.